The following is an entry in ClinVar:

NM_032656.4(DHX37):c.1630C>T (p.Pro544Ser)

Gene: DHX37 (DEAH-box helicase 37; minus strand). Cytogenetic location: 12q24.31.
Variant type: single nucleotide variant.
Coding change: c.1630C>T on transcript NM_032656.4 (MANE Select); coding-DNA position 1630, C replaced by T.
Protein change: p.Pro544Ser; replaces proline 544 with serine.
Molecular consequence: missense variant.
Genome position (GRCh38, 1-based): chr12:124,965,773, G>A on the plus strand (C>T on the coding strand, the complement: DHX37 is on the minus strand). VCF-style: chr12-124965773-G-A. GRCh37 (hg19) VCF-style: chr12-125450319-G-A.
Other names: short protein forms P544S.
Identifiers: ClinVar variation 3703787 (VCV003703787.2).

ClinVar aggregate classification (germline): Uncertain significance (1 of 4 stars; one submission).

gnomAD v4.1: 8 of 1,613,730 alleles (0.0005%); highest among the groups gnomAD compares: African/African-American, 0.0067%; no homozygotes.

Submission:

Labcorp Genetics (formerly Invitae), Labcorp
Classification: Uncertain significance. Last evaluated: 2025-06-12. Review status: criteria provided, single submitter. Criteria: Invitae Variant Classification Sherloc (09022015). Collection method: clinical testing. Allele origin: germline.
Comment: This sequence change replaces proline, which is neutral and non-polar, with serine, which is neutral and polar, at codon 544 of the DHX37 protein (p.Pro544Ser). This variant is present in population databases (rs766940424, gnomAD 0.02%). This variant has not been reported in the literature in individuals affected with DHX37-related conditions. ClinVar contains an entry for this variant (Variation ID: 3703787). Invitae Evidence Modeling of protein sequence and biophysical properties (such as structural, functional, and spatial information, amino acid conservation, physicochemical variation, residue mobility, and thermodynamic stability) indicates that this missense variant is not expected to disrupt DHX37 protein function with a negative predictive value of 80%. In summary, the available evidence is currently insufficient to determine the role of this variant in disease. Therefore, it has been classified as a Variant of Uncertain Significance.